The following is an entry in ClinVar:

ClinVar aggregate classification (germline): Uncertain significance (1 of 4 stars; one submission).

Conditions:
Inborn genetic diseases. Identifiers: MedGen C0950123, MeSH D030342.

Allele frequency attached by ClinVar (database versions not stated): gnomAD 0.00001; TOPMed 0.00002.
gnomAD v4.1: 2 of 1,612,096 alleles (0.00012%); highest among the groups gnomAD compares: African/African-American, 0.0027%; no homozygotes.

Submission:

Ambry Genetics
Classification: Uncertain significance for Inborn genetic diseases. Last evaluated: 2024-07-27. Review status: criteria provided, single submitter. Criteria: Ambry Variant Classification Scheme 2023. Collection method: clinical testing. Allele origin: germline.
Comment: The p.E1529K variant (also known as c.4585G>A), located in coding exon 32 of the LRRK2 gene, results from a G to A substitution at nucleotide position 4585. The glutamic acid at codon 1529 is replaced by lysine, an amino acid with similar properties. This amino acid position is conserved. In addition, this alteration is predicted to be tolerated by in silico analysis. Since supporting evidence is limited at this time, the clinical significance of this alteration remains unclear.

NM_198578.4(LRRK2):c.4585G>A (p.Glu1529Lys)

Gene: LRRK2 (leucine rich repeat kinase 2; plus strand). Cytogenetic location: 12q12.
Variant type: single nucleotide variant.
Coding change: c.4585G>A on transcript NM_198578.4 (MANE Select); coding-DNA position 4585, G replaced by A.
Protein change: p.Glu1529Lys; replaces glutamic acid 1529 with lysine.
Molecular consequence: missense variant.
Genome position (GRCh38, 1-based): chr12:40,314,020, G>A. VCF-style: chr12-40314020-G-A. GRCh37 (hg19) VCF-style: chr12-40707822-G-A.
Other names: short protein forms E1529K.
Identifiers: ClinVar variation 1741669 (VCV001741669.3), dbSNP rs1254773108, ClinGen allele CA384418837.